The following is an entry in ClinVar:

ClinVar aggregate classification (germline): Uncertain significance (1 of 4 stars; one submission).

Conditions:
Microcephaly, normal intelligence and immunodeficiency (NBS). Also called: Immunodeficiency, microcephaly with normal intelligence; Ataxia telangiectasia variant V1; IMMUNODEFICIENCY, MICROCEPHALY, AND CHROMOSOMAL INSTABILITY; BERLIN BREAKAGE SYNDROME; SEEMANOVA SYNDROME II; Nijmegen breakage syndrome. Identifiers: Orphanet 647, MedGen C0398791, MONDO:0009623, OMIM 251260.

Submission:

Labcorp Genetics (formerly Invitae), Labcorp
Classification: Uncertain significance for Microcephaly, normal intelligence and immunodeficiency. Last evaluated: 2022-08-17. Review status: criteria provided, single submitter. Criteria: Invitae Variant Classification Sherloc (09022015). Collection method: clinical testing. Allele origin: germline.
Comment: This variant, c.1292_1297del, results in the deletion of 2 amino acid(s) of the NBN protein (p.Leu431_Ser432del), but otherwise preserves the integrity of the reading frame. This variant is not present in population databases (gnomAD no frequency). This variant has not been reported in the literature in individuals affected with NBN-related conditions. Experimental studies and prediction algorithms are not available or were not evaluated, and the functional significance of this variant is currently unknown. In summary, the available evidence is currently insufficient to determine the role of this variant in disease. Therefore, it has been classified as a Variant of Uncertain Significance.

NM_002485.5(NBN):c.1292_1297del (p.Leu431_Ser432del)

Gene: NBN (nibrin; minus strand). Cytogenetic location: 8q21.3.
Variant type: Deletion.
Coding change: c.1292_1297del on transcript NM_002485.5 (MANE Select); coding-DNA positions 1292 to 1297, 6 bases deleted (TTTCAC; older notation c.1292_1297delTTTCAC).
Protein change: p.Leu431_Ser432del.
Molecular consequence: inframe deletion.
Genome position (GRCh38, 1-based): chr8:89,955,383-89,955,388, GTGAAA deleted on the plus strand (TTTCAC on the coding strand, the reverse complement: NBN is on the minus strand); deleting any 6 consecutive bases within chr8:89,955,383-89,955,389 gives the same sequence; the c. name uses the placement nearest the transcript's 3' end. VCF-style (leftmost placement, unchanged base first): chr8-89955382-GGTGAAA-G. GRCh37 (hg19) VCF-style: chr8-90967610-GGTGAAA-G.
Other names: c.1046_1051del, p.Leu349_Ser350del (NM_001024688.3).
Identifiers: ClinVar variation 2024471 (VCV002024471.4), dbSNP rs2488243459, ClinGen allele CA2580079079.